The following is an entry in ClinVar:

ClinVar aggregate classification (germline): Likely benign (1 of 4 stars; one submission).

Submission:

CeGaT Center for Human Genetics Tuebingen
Classification: Likely benign. Last evaluated: 2025-08-01. Review status: criteria provided, single submitter. Criteria: CeGaT Center For Human Genetics Tuebingen Variant Classification Criteria Version 2. Collection method: clinical testing. Allele origin: germline. Affected: yes. Observed: 1 variant allele.
Comment: SMARCA4: PM2:Supporting, BP4, BP7

NM_003072.5(SMARCA4):c.1035G>C (p.Leu345=)

Gene: SMARCA4 (SWI/SNF related BAF chromatin remodeling complex subunit ATPase 4; plus strand). Cytogenetic location: 19p13.2.
Variant type: single nucleotide variant.
Coding change: c.1035G>C on transcript NM_003072.5 (MANE Select); coding-DNA position 1035, G replaced by C.
Protein change: p.Leu345=; no amino-acid change (leucine 345 retained).
Molecular consequence: synonymous variant. On other transcripts: non-coding transcript variant (1).
Genome position (GRCh38, 1-based): chr19:10,987,841, G>C. VCF-style: chr19-10987841-G-C. GRCh37 (hg19) VCF-style: chr19-11098517-G-C.
Other names: c.1035G>C, p.Leu345= (NM_001128844.3, NM_001128845.2, NM_001128846.2 and 6 more transcripts).
Identifiers: ClinVar variation 4084184 (VCV004084184.8).
Genomic context (GRCh38, chr19:10,987,841, plus strand): 5'-GATGCCACCGCAGACCCAGTCCCCCGGGCAGCCGGCCCAGCCCGCGCCCATGGTGCCACT[G>C]CACCAGAAGCAGAGCCGCATCACCCCCATCCAGAAGCCGCGGGGCCTCGACCCTGTGGAG-3'
Protein context (NP_003063.2, residues 335-355): QPAQPAPMVP[Leu345=]HQKQSRITPI